The following is an entry in ClinVar:

NM_000321.3(RB1):c.88G>T (p.Glu30Ter)

Gene: RB1 (RB transcriptional corepressor 1; plus strand). Cytogenetic location: 13q14.2.
Variant type: single nucleotide variant.
Coding change: c.88G>T on transcript NM_000321.3 (MANE Select); coding-DNA position 88, G replaced by T.
Protein change: p.Glu30Ter; replaces glutamic acid 30 with a stop codon.
Molecular consequence: nonsense.
Genome position (GRCh38, 1-based): chr13:48,304,000, G>T. VCF-style: chr13-48304000-G-T. GRCh37 (hg19) VCF-style: chr13-48878136-G-T.
Other names: c.88G>T, p.Glu30Ter (NM_001407165.1, NM_001407166.1, NM_001407167.1); short protein forms E30*.
Identifiers: ClinVar variation 3237021 (VCV003237021.2), dbSNP rs1555279228.
Genomic context (GRCh38, chr13:48,304,000, plus strand): 5'-GCCGCCACCGCCGCCGCTGCCGCCGCGGAACCCCCGGCACCGCCGCCGCCGCCCCCTCCT[G>T]AGGAGGACCCAGAGCAGGACAGCGGCCCGGAGGACCTGCCTCTCGTCAGGTGAGCGAGCA-3'

ClinVar aggregate classification (germline): Pathogenic. Review status: criteria provided, multiple submitters, no conflicts (2 of 4 stars). 2 submissions from 2 submitters: Pathogenic (2). Last evaluated 2025-11-17.

Conditions:
Hereditary cancer-predisposing syndrome. Also called: Neoplastic Syndromes, Hereditary; Tumor predisposition; Hereditary neoplastic syndrome; Hereditary Cancer Syndrome. Identifiers: Orphanet 140162, MedGen C0027672, MeSH D009386, MONDO:0015356.
Retinoblastoma (RB1). Also called: RETINOBLASTOMA, SOMATIC. Identifiers: Orphanet 790, MedGen C0035335, MeSH D012175, MONDO:0008380, OMIM 180200, HP:0009919. Disease mechanism: loss of function. Inheritance: Both sporadic and heritable forms are tested..

Submissions (2):

Ambry Genetics
Classification: Pathogenic for Hereditary cancer-predisposing syndrome. Last evaluated: 2025-11-17. Review status: criteria provided, single submitter. Criteria: Ambry Variant Classification Scheme 2023. Collection method: clinical testing. Allele origin: germline.
Comment: The p.E30* pathogenic mutation (also known as c.88G>T), located in coding exon 1 of the RB1 gene, results from a G to T substitution at nucleotide position 88. This changes the amino acid from a glutamic acid to a stop codon within coding exon 1. This variant was reported in individual(s) with features consistent with RB1-related hereditary retinoblastoma (Ambry internal data). This alteration is expected to result in loss of function by premature protein truncation or nonsense-mediated mRNA decay. As such, this alteration is interpreted as a disease-causing mutation.

Genetic Diagnostic Laboratory, University of Pennsylvania School of Medicine
Classification: Pathogenic for Retinoblastoma. Last evaluated: 2024-05-20. Review status: criteria provided, single submitter. Criteria: ACMG Guidelines, 2015. Collection method: clinical testing. Allele origin: germline. Affected: yes. Observed: 1 variant allele.
Comment: Case and Pedigree Information: BILATERAL CASES:1, UNILATERAL CASES:0, TOTAL CASES:1, PEDIGREES:1. ACMG Codes Applied:PVS1, PM2